The following is an entry in ClinVar:

ClinVar aggregate classification (germline): Uncertain significance. Review status: criteria provided, multiple submitters, no conflicts (2 of 4 stars). 2 submissions from 2 submitters: Uncertain significance (2). Last evaluated 2026-04-07.

Allele frequency attached by ClinVar (database versions not stated): ExAC 0.00002; gnomAD 0.00001; TOPMed below 0.00001; 1000 Genomes Project 30x 0.00031; 1000 Genomes Project 0.00040.
gnomAD v4.1: 11 of 1,614,004 alleles (0.00068%); highest among the groups gnomAD compares: Middle Eastern, 0.016%; no homozygotes.

Submissions (2):

GeneDx
Classification: Uncertain significance. Last evaluated: 2026-04-07. Review status: criteria provided, single submitter. Criteria: GeneDx Variant Classification Process June 2021. Collection method: clinical testing. Allele origin: germline.
Comment: In silico analysis supports that this missense variant has a deleterious effect on protein structure/function; Has not been previously published as pathogenic or benign to our knowledge

Labcorp Genetics (formerly Invitae), Labcorp
Classification: Uncertain significance. Last evaluated: 2022-10-21. Review status: criteria provided, single submitter. Criteria: Invitae Variant Classification Sherloc (09022015). Collection method: clinical testing. Allele origin: germline.
Comment: In summary, the available evidence is currently insufficient to determine the role of this variant in disease. Therefore, it has been classified as a Variant of Uncertain Significance. Algorithms developed to predict the effect of missense changes on protein structure and function are either unavailable or do not agree on the potential impact of this missense change (SIFT: "Deleterious"; PolyPhen-2: "Possibly Damaging"; Align-GVGD: "Class C0"). This variant has not been reported in the literature in individuals affected with SEC63-related conditions. This variant is present in population databases (rs200071267, gnomAD 0.01%). This sequence change replaces aspartic acid, which is acidic and polar, with valine, which is neutral and non-polar, at codon 393 of the SEC63 protein (p.Asp393Val).

NM_007214.5(SEC63):c.1178A>T (p.Asp393Val)

Gene: SEC63 (SEC63 protein translocation regulator; minus strand). Cytogenetic location: 6q21.
Variant type: single nucleotide variant.
Coding change: c.1178A>T on transcript NM_007214.5 (MANE Select); coding-DNA position 1178, A replaced by T.
Protein change: p.Asp393Val; replaces aspartic acid 393 with valine.
Molecular consequence: missense variant.
Genome position (GRCh38, 1-based): chr6:107,902,875, T>A on the plus strand (A>T on the coding strand, the complement: SEC63 is on the minus strand). VCF-style: chr6-107902875-T-A. GRCh37 (hg19) VCF-style: chr6-108224079-T-A.
Other names: c.1178A>T (NM_007214.4); short protein forms D393V.
Identifiers: ClinVar variation 1929745 (VCV001929745.6), dbSNP rs200071267, ClinGen allele CA3947463.